The following is an entry in ClinVar:

ClinVar aggregate classification (germline): Uncertain significance (1 of 4 stars; one submission).

Conditions:
Primary ciliary dyskinesia. Also called: Ciliary dyskinesia. Identifiers: Orphanet 244, MedGen C0008780, MONDO:0016575, HP:0012265.

Allele frequency attached by ClinVar (database versions not stated): gnomAD exomes below 0.00001; TOPMed 0.00001.
gnomAD v4.1: 2 of 1,613,870 alleles (0.00012%); highest among the groups gnomAD compares: African/African-American, 0.0013%; no homozygotes.

Submission:

Labcorp Genetics (formerly Invitae), Labcorp
Classification: Uncertain significance for Primary ciliary dyskinesia. Last evaluated: 2024-11-04. Review status: criteria provided, single submitter. Criteria: Invitae Variant Classification Sherloc (09022015). Collection method: clinical testing. Allele origin: germline.
Comment: This sequence change replaces lysine, which is basic and polar, with threonine, which is neutral and polar, at codon 3479 of the DNAH8 protein (p.Lys3479Thr). This variant is not present in population databases (gnomAD no frequency). This variant has not been reported in the literature in individuals affected with DNAH8-related conditions. ClinVar contains an entry for this variant (Variation ID: 1988573). Invitae Evidence Modeling of protein sequence and biophysical properties (such as structural, functional, and spatial information, amino acid conservation, physicochemical variation, residue mobility, and thermodynamic stability) indicates that this missense variant is not expected to disrupt DNAH8 protein function with a negative predictive value of 80%. In summary, the available evidence is currently insufficient to determine the role of this variant in disease. Therefore, it has been classified as a Variant of Uncertain Significance.

NM_001206927.2(DNAH8):c.10436A>C (p.Lys3479Thr)

Genes: DNAH8 (dynein axonemal heavy chain 8; plus strand), DNAH8-AS1 (DNAH8 antisense RNA 1; minus strand). Cytogenetic location: 6p21.2.
Variant type: single nucleotide variant.
Coding change: c.10436A>C on transcript NM_001206927.2 (MANE Select); coding-DNA position 10436, A replaced by C.
Protein change: p.Lys3479Thr; replaces lysine 3479 with threonine.
Molecular consequence: missense variant.
Genome position (GRCh38, 1-based): chr6:38,918,052, A>C. VCF-style: chr6-38918052-A-C. GRCh37 (hg19) VCF-style: chr6-38885828-A-C.
Other names: c.9785A>C, p.Lys3262Thr (NM_001371.4); short protein forms K3262T, K3479T.
Identifiers: ClinVar variation 1988573 (VCV001988573.3), dbSNP rs1781445441, ClinGen allele CA364009214.
Genomic context (GRCh38, chr6:38,918,052, plus strand): 5'-CTGTTGAGTTACTACAGCCATATTTTAATATGGATGATTATACTTTTGAAAGTGCCAAAA[A>C]AGTCTGTGGGAATGTGGCTGGTCTCCTGTCTTGGACACTTGCTATGGCAATATTTTATGG-3'
Protein context (NP_001193856.1, residues 3469-3489): MDDYTFESAK[Lys3479Thr]VCGNVAGLLS